The following is an entry in ClinVar:

ClinVar aggregate classification (germline): Uncertain significance (1 of 4 stars; one submission).

Conditions:
Nephronophthisis. Also called: Juvenile Nephronophthisis. Identifiers: Orphanet 655, MedGen C0687120, MONDO:0019005, HP:0000090.

gnomAD v4.1: 2 of 1,612,148 alleles (0.00012%); highest among the groups gnomAD compares: East Asian, 0.0022%; no homozygotes.

Submission:

Labcorp Genetics (formerly Invitae), Labcorp
Classification: Uncertain significance for Nephronophthisis. Last evaluated: 2025-04-23. Review status: criteria provided, single submitter. Criteria: Invitae Variant Classification Sherloc (09022015). Collection method: clinical testing. Allele origin: germline.
Comment: This sequence change replaces glycine, which is neutral and non-polar, with aspartic acid, which is acidic and polar, at codon 1028 of the NPHP4 protein (p.Gly1028Asp). This variant is not present in population databases (gnomAD no frequency). This variant has not been reported in the literature in individuals affected with NPHP4-related conditions. Invitae Evidence Modeling of protein sequence and biophysical properties (such as structural, functional, and spatial information, amino acid conservation, physicochemical variation, residue mobility, and thermodynamic stability) indicates that this missense variant is not expected to disrupt NPHP4 protein function with a negative predictive value of 80%. In summary, the available evidence is currently insufficient to determine the role of this variant in disease. Therefore, it has been classified as a Variant of Uncertain Significance.

NM_015102.5(NPHP4):c.3083G>A (p.Gly1028Asp)

Gene: NPHP4 (nephrocystin 4; minus strand). Cytogenetic location: 1p36.31.
Variant type: single nucleotide variant.
Coding change: c.3083G>A on transcript NM_015102.5 (MANE Select); coding-DNA position 3083, G replaced by A.
Protein change: p.Gly1028Asp; replaces glycine 1028 with aspartic acid.
Molecular consequence: missense variant. On other transcripts: non-coding transcript variant (1).
Genome position (GRCh38, 1-based): chr1:5,874,619, C>T on the plus strand (G>A on the coding strand, the complement: NPHP4 is on the minus strand). VCF-style: chr1-5874619-C-T. GRCh37 (hg19) VCF-style: chr1-5934679-C-T.
Other names: c.1544G>A, p.Gly515Asp (NM_001291593.2); c.1547G>A, p.Gly516Asp (NM_001291594.2); short protein forms G1028D, G515D, G516D.
Identifiers: ClinVar variation 4811823 (VCV004811823.1).
Genomic context (GRCh38, chr1:5,874,619, plus strand): 5'-GCCAGGCTGCCACGCAGGTGGAACATGTCCTCCTCCACCGGTGTGTGCAGGCCAGCAGCA[C>T]CCTTGAAGTCCCTCCACTCCTGACTGTCCACGATGACGCTGGGGGAGGCAGTGTCCAGGC-3'
Protein context (NP_055917.1, residues 1018-1038): VDSQEWRDFK[Gly1028Asp]AAGLHTPVEE